The following is an entry in ClinVar:

ClinVar aggregate classification (germline): Uncertain significance (1 of 4 stars; one submission).

Submission:

GeneDx
Classification: Uncertain significance. Last evaluated: 2025-05-14. Review status: criteria provided, single submitter. Criteria: GeneDx Variant Classification Process June 2021. Collection method: clinical testing. Allele origin: germline. Affected: yes.
Comment: Not observed at significant frequency in large population cohorts (gnomAD); In silico analysis suggests that this missense variant does not alter protein structure/function; Has not been previously published as pathogenic or benign to our knowledge

NM_032590.5(KDM2B):c.3319C>G (p.Leu1107Val)

Gene: KDM2B (lysine demethylase 2B; minus strand). Cytogenetic location: 12q24.31.
Variant type: single nucleotide variant.
Coding change: c.3319C>G on transcript NM_032590.5 (MANE Select); coding-DNA position 3319, C replaced by G.
Protein change: p.Leu1107Val; replaces leucine 1107 with valine.
Molecular consequence: missense variant.
Genome position (GRCh38, 1-based): chr12:121,441,199, G>C on the plus strand (C>G on the coding strand, the complement: KDM2B is on the minus strand). VCF-style: chr12-121441199-G-C. GRCh37 (hg19) VCF-style: chr12-121879002-G-C.
Other names: c.3112C>G, p.Leu1038Val (NM_001005366.2); c.3415C>G, p.Leu1139Val (NM_001439014.1, NM_001439015.1); c.3397C>G, p.Leu1133Val (NM_001439016.1); c.3319C>G, p.Leu1107Val (NM_001439017.1, NM_001439018.1); c.3304C>G, p.Leu1102Val (NM_001439020.1); c.3286C>G, p.Leu1096Val (NM_001439021.1); c.3256C>G, p.Leu1086Val (NM_001439022.1, NM_001439023.1); c.3226C>G, p.Leu1076Val (NM_001439025.1, NM_001439026.1); and 3 more; short protein forms L1038V, L1048V, L1070V, L1076V, L1086V, L1096V, L1102V, L1107V.
Identifiers: ClinVar variation 4529566 (VCV004529566.1).